The following is an entry in ClinVar:

ClinVar aggregate classification (germline): Conflicting classifications of pathogenicity. Review status: criteria provided, conflicting classifications (1 of 4 stars). 3 submissions from 3 submitters: Uncertain significance (1); Likely benign (2). Last evaluated 2025-08-04.

Conditions:
Cataract 33. Also called: CATARACT 33, CORTICAL. Identifiers: Orphanet 91492, MedGen C3808107, MONDO:0012665, OMIM 611391.
BFSP1-related disorder. Also called: BFSP1-related condition.

gnomAD v4.1: 286 of 1,614,224 alleles (0.018%); highest among the groups gnomAD compares: South Asian, 0.3%; 2 homozygotes.

Submissions (3):

Labcorp Genetics (formerly Invitae), Labcorp
Classification: Likely benign for Cataract 33. Last evaluated: 2025-08-04. Review status: criteria provided, single submitter. Criteria: Invitae Variant Classification Sherloc (09022015). Collection method: clinical testing. Allele origin: germline.

PreventionGenetics, part of Exact Sciences
Classification: Likely benign for BFSP1-related condition. Last evaluated: 2024-11-01. Review status: criteria provided, single submitter. Criteria: ACMG Guidelines, 2015. Collection method: clinical testing. Allele origin: germline.
Comment: This variant is classified as likely benign based on ACMG/AMP sequence variant interpretation guidelines (Richards et al. 2015 PMID: 25741868, with internal and published modifications).

Blueprint Genetics
Classification: Uncertain significance. Last evaluated: 2023-03-29. Review status: criteria provided, single submitter. Criteria: ACMG Guidelines, 2015. Collection method: clinical testing. Allele origin: germline.

NM_001195.5(BFSP1):c.1480G>A (p.Gly494Arg)

Gene: BFSP1 (beaded filament structural protein 1; minus strand). Cytogenetic location: 20p12.1.
Variant type: single nucleotide variant.
Coding change: c.1480G>A on transcript NM_001195.5 (MANE Select); coding-DNA position 1480, G replaced by A.
Protein change: p.Gly494Arg; replaces glycine 494 with arginine.
Molecular consequence: missense variant.
Genome position (GRCh38, 1-based): chr20:17,494,592, C>T on the plus strand (G>A on the coding strand, the complement: BFSP1 is on the minus strand). VCF-style: chr20-17494592-C-T. GRCh37 (hg19) VCF-style: chr20-17475237-C-T.
Other names: c.1105G>A, p.Gly369Arg (NM_001161705.2); c.1063G>A, p.Gly355Arg (NM_001278606.2, NM_001278608.2); c.1147G>A, p.Gly383Arg (NM_001278607.2); c.1372G>A, p.Gly458Arg (NM_001424338.1); c.1480G>A (NM_001195.4); short protein forms G355R, G369R, G383R, G458R, G494R.
Identifiers: ClinVar variation 4799664 (VCV004799664.3).
Genomic context (GRCh38, chr20:17,494,592, plus strand): 5'-GAGAGGGCTCCACCTGGCCGTCATAAAGCACAGAGTCTTCCGCAACAGAAACAGCCACCC[C>T]ACCTTTAGCTGTGATGGAGGAGACATAGAATCTAGGGTCCACGTAATTGGCATCCCCTGT-3'
Protein context (NP_001186.1, residues 484-504): FYVSSITAKG[Gly494Arg]VAVSVAEDSV